The following is an entry in ClinVar:

ClinVar aggregate classification (germline): Uncertain significance (1 of 4 stars; one submission).

gnomAD v4.1: 4 of 1,613,342 alleles (0.00025%); highest among the groups gnomAD compares: African/African-American, 0.0013%; no homozygotes.

Submission:

Labcorp Genetics (formerly Invitae), Labcorp
Classification: Uncertain significance. Last evaluated: 2024-05-31. Review status: criteria provided, single submitter. Criteria: Invitae Variant Classification Sherloc (09022015). Collection method: clinical testing. Allele origin: germline.
Comment: This sequence change affects codon 76 of the GHR mRNA. It is a 'silent' change, meaning that it does not change the encoded amino acid sequence of the GHR protein. This variant is present in population databases (rs746242662, gnomAD 0.007%). This variant has not been reported in the literature in individuals affected with GHR-related conditions. Algorithms developed to predict the effect of sequence changes on RNA splicing suggest that this variant may create or strengthen a splice site. In summary, the available evidence is currently insufficient to determine the role of this variant in disease. Therefore, it has been classified as a Variant of Uncertain Significance.

NM_000163.5(GHR):c.228A>G (p.Thr76=)

Gene: GHR (growth hormone receptor; plus strand). Cytogenetic location: 5p12.
Variant type: single nucleotide variant.
Coding change: c.228A>G on transcript NM_000163.5 (MANE Select); coding-DNA position 228, A replaced by G.
Protein change: p.Thr76=; no amino-acid change (threonine 76 retained).
Molecular consequence: synonymous variant.
Genome position (GRCh38, 1-based): chr5:42,688,981, A>G. VCF-style: chr5-42688981-A-G. GRCh37 (hg19) VCF-style: chr5-42689083-A-G.
Other names: c.249A>G, p.Thr83= (NM_001242399.2); c.228A>G, p.Thr76= (NM_001242400.2, NM_001242401.4, NM_001242402.2 and 5 more transcripts); c.162A>G, p.Thr54= (NM_001242460.2).
Identifiers: ClinVar variation 3715693 (VCV003715693.2).